The following is an entry in ClinVar:

ClinVar aggregate classification (germline): Likely benign. Review status: criteria provided, single submitter (1 of 4 stars). 2 submissions from 2 submitters: Likely benign (1). 1 of the submissions does not count toward it. Last evaluated 2023-11-14.

Conditions:
ALPL-related disorder. Also called: ALPL-related condition; ALPL-related disorders.

Submissions (2):

Labcorp Genetics (formerly Invitae), Labcorp
Classification: Likely benign. Last evaluated: 2023-11-14. Review status: criteria provided, single submitter. Criteria: Invitae Variant Classification Sherloc (09022015). Collection method: clinical testing. Allele origin: germline.

PreventionGenetics, part of Exact Sciences
Classification: Likely benign for ALPL-related condition. Last evaluated: 2024-07-10. Review status: no assertion criteria provided. Collection method: clinical testing. Allele origin: germline. Not counted in ClinVar's aggregate classification.
Comment: This variant is classified as likely benign based on ACMG/AMP sequence variant interpretation guidelines (Richards et al. 2015 PMID: 25741868, with internal and published modifications).

NM_000478.6(ALPL):c.1071G>A (p.Arg357=)

Gene: ALPL (alkaline phosphatase, biomineralization associated; plus strand). Cytogenetic location: 1p36.12.
Variant type: single nucleotide variant.
Coding change: c.1071G>A on transcript NM_000478.6 (MANE Select); coding-DNA position 1071, G replaced by A.
Protein change: p.Arg357=; no amino-acid change (arginine 357 retained).
Molecular consequence: synonymous variant.
Genome position (GRCh38, 1-based): chr1:21,575,806, G>A. VCF-style: chr1-21575806-G-A. GRCh37 (hg19) VCF-style: chr1-21902299-G-A.
Other names: c.906G>A, p.Arg302= (NM_001127501.4); c.840G>A, p.Arg280= (NM_001177520.3); c.1071G>A, p.Arg357= (NM_001369803.2, NM_001369804.2, NM_001369805.2); c.1071G>A (NM_000478.5).
Identifiers: ClinVar variation 1113706 (VCV001113706.10), dbSNP rs2148189762, ClinGen allele CA416533073.